The following is an entry in ClinVar:

ClinVar aggregate classification (germline): Pathogenic (1 of 4 stars; one submission).

Submission:

Labcorp Genetics (formerly Invitae), Labcorp
Classification: Pathogenic. Last evaluated: 2025-05-13. Review status: criteria provided, single submitter. Criteria: Invitae Variant Classification Sherloc (09022015). Collection method: clinical testing. Allele origin: germline.
Comment: This sequence change creates a premature translational stop signal (p.Ile529Asnfs*18) in the ABCA12 gene. It is expected to result in an absent or disrupted protein product. Loss-of-function variants in ABCA12 are known to be pathogenic (PMID: 20672373). This variant is not present in population databases (gnomAD no frequency). This variant has not been reported in the literature in individuals affected with ABCA12-related conditions. Algorithms developed to predict the effect of sequence changes on RNA splicing suggest that this variant may disrupt the consensus splice site. For these reasons, this variant has been classified as Pathogenic.

Literature cited by the submitters: PubMed 20672373.

NM_173076.3(ABCA12):c.1585_1586insATCGGTA (p.Ile529fs)

Gene: ABCA12 (ATP binding cassette subfamily A member 12; minus strand). Cytogenetic location: 2q35.
Variant type: Insertion.
Coding change: c.1585_1586insATCGGTA on transcript NM_173076.3 (MANE Select); coding-DNA positions 1585 to 1586, ATCGGTA inserted.
Protein change: p.Ile529fs; shifts the reading frame from isoleucine 529.
Molecular consequence: frameshift variant. On other transcripts: non-coding transcript variant (1).
Genome position: GRCh38 VCF-style: chr2-215019407-A-ATACCGAT. GRCh37 (hg19) VCF-style: chr2-215884131-A-ATACCGAT.
Other names: c.631_632insATCGGTA, p.Ile211fs (NM_015657.4); short protein forms I529fs, I211fs.
Identifiers: ClinVar variation 4717111 (VCV004717111.1).